The following is an entry in ClinVar:

ClinVar aggregate classification (germline): Uncertain significance (1 of 4 stars; one submission).

Conditions:
Microcephaly-intellectual disability-sensorineural hearing loss-epilepsy-abnormal muscle tone syndrome (NEDHSB). Also called: NEURODEVELOPMENTAL DISORDER WITH HEARING LOSS, SEIZURES, AND BRAIN ABNORMALITIES. Identifiers: Orphanet 457351, MedGen C4225276, MONDO:0014698, OMIM 616577.

Allele frequency attached by ClinVar (database versions not stated): ExAC 0.00001.
gnomAD v4.1: 2 of 1,614,194 alleles (0.00012%); highest among the groups gnomAD compares: Admixed American, 0.0017%; no homozygotes.

Submission:

Labcorp Genetics (formerly Invitae), Labcorp
Classification: Uncertain significance for Microcephaly-intellectual disability-sensorineural hearing loss-epilepsy-abnormal muscle tone syndrome. Last evaluated: 2022-08-16. Review status: criteria provided, single submitter. Criteria: Invitae Variant Classification Sherloc (09022015). Collection method: clinical testing. Allele origin: germline.
Comment: This sequence change replaces glutamine, which is neutral and polar, with glutamic acid, which is acidic and polar, at codon 234 of the SPATA5 protein (p.Gln234Glu). This variant is present in population databases (rs775269863, gnomAD 0.003%). This variant has not been reported in the literature in individuals affected with SPATA5-related conditions. ClinVar contains an entry for this variant (Variation ID: 1041698). Advanced modeling of protein sequence and biophysical properties (such as structural, functional, and spatial information, amino acid conservation, physicochemical variation, residue mobility, and thermodynamic stability) performed at Invitae indicates that this missense variant is not expected to disrupt SPATA5 protein function. In summary, the available evidence is currently insufficient to determine the role of this variant in disease. Therefore, it has been classified as a Variant of Uncertain Significance.

NM_145207.3(AFG2A):c.700C>G (p.Gln234Glu)

Gene: AFG2A (AFG2 AAA ATPase homolog A; plus strand). Cytogenetic location: 4q28.1.
Variant type: single nucleotide variant.
Coding change: c.700C>G on transcript NM_145207.3 (MANE Select); coding-DNA position 700, C replaced by G.
Protein change: p.Gln234Glu; replaces glutamine 234 with glutamic acid.
Molecular consequence: missense variant.
Genome position (GRCh38, 1-based): chr4:122,934,291, C>G. VCF-style: chr4-122934291-C-G. GRCh37 (hg19) VCF-style: chr4-123855446-C-G.
Other names: c.697C>G, p.Gln233Glu (NM_001317799.2, NM_001345856.2); short protein forms Q233E, Q234E.
Identifiers: ClinVar variation 1041698 (VCV001041698.2), dbSNP rs775269863, ClinGen allele CA3070303.